The following is an entry in ClinVar:

ClinVar aggregate classification (germline): Likely pathogenic. Review status: reviewed by expert panel (3 of 4 stars). 12 submissions from 12 submitters: Likely pathogenic (1). 11 of the submissions do not count toward it. Last evaluated 2025-08-12.

Conditions:
ACADVL-related disorder. Also called: ACADVL-related condition.
Very long chain acyl-CoA dehydrogenase deficiency (ACADVLD). Also called: Very Long-Chain Acyl-Coenzyme A Dehydrogenase Deficiency; VLCAD Deficiency. Identifiers: Orphanet 26793, MedGen C3887523, MONDO:0008723, OMIM 201475.

Allele frequency attached by ClinVar (database versions not stated): ExAC 0.00001; gnomAD 0.00001.
gnomAD v4.1: 5 of 1,613,648 alleles (0.00031%); highest among the groups gnomAD compares: Admixed American, 0.0017%; no homozygotes.

Submissions (13):

ClinGen ACADVL Variant Curation Expert Panel, ClinGen
Classification: Likely pathogenic for Very long chain acyl-CoA dehydrogenase deficiency. Last evaluated: 2025-08-12. Review status: reviewed by expert panel. Criteria: clingen acadvl acmg specifications v1. Collection method: curation. Allele origin: germline. Inheritance: Autosomal recessive inheritance.
Comment: The NM_000018.4(ACADVL):c.1532G>A p.(Arg511Gln) in ACADVL is a missense variant predicted to cause substitution of arginine by glutamine at amino acid 511 in the last codon of exon 15. The highest population minor allele frequency in gnomAD v4.1 is 0.00003 in Admixed American population, which is lower than the ClinGen ACADVL Variant Curation Expert Panel threshold (<0.001) for PM2_Supporting, meeting this criterion (PM2_Supporting). The computational predictor REVEL gives a score of 0.651 which is neither above nor below the thresholds predicting a damaging or benign impact on ACADVL function. However, in silico splicing predictor SpliceAI indicates that this variant may affect splicing by disrupting the donor splice site of intron 15 of ACADVL. This variant resides within a region, amino acids 481–516, of ACADVL that is defined as a critical functional domain by the ClinGen ACADVL Variant Curation Expert Panel (PMIDs: 18227065, 20060901 ) (PM1_Moderate). This variant has been detected in at least 5 individuals with very long chain acyl CoA dehydrogenase (VLCAD) deficiency. Of those individuals, 3 were compound heterozygous for the variant and distinct pathogenic or likely pathogenic variants (PM3_Moderate, PMIDs: PMID: 35400565, 29519241, PMID: 25652019). At least 3 patients with this variant displayed abnormal enzyme levels and NBS, which is highly specific for VLCAD (PP4_Moderate, PMIDs: 35400565, 29519241, PMID: 25652019, 18670371). In summary, this variant meets the criteria to be classified as likely pathogenic for autosomal recessive very long chain acyl-CoA dehydrogenase (VLCAD) deficiency based on the ACMG/AMP criteria applied, as specified by the ClinGen ACADVL Variant Curation Expert Panel: PM1_moderate, PM3_Moderate, PP4_Moderate, PP3_Supporting, PM2_Supporting (ACADVL VCEP specifications version 2; approved May 1, 2025).

PreventionGenetics, part of Exact Sciences
Classification: Likely pathogenic for ACADVL-related condition. Last evaluated: 2026-07-14. Review status: criteria provided, single submitter. Criteria: ACMG Guidelines, 2015. Collection method: clinical testing. Allele origin: germline. Not counted in ClinVar's aggregate classification.
Comment: The ACADVL c.1532G>A variant is predicted to result in the amino acid substitution p.Arg511Gln. This variant was reported in individuals with very long chain acyl-CoA dehydrogenase deficiency (Jinjun et al. 2015. PubMed ID: 26182500; Li et al. 2015. PubMed ID: 25652019; Pena et al. 2016. PubMed ID: 27209629). This variant is reported in 0.029% of alleles in individuals of European (Finnish) descent in gnomAD. This variant is interpreted as likely pathogenic by the ClinGen ACADVL Variant Curation Expert Panel. This variant is interpreted as likely pathogenic.

Labcorp Genetics (formerly Invitae), Labcorp
Classification: Pathogenic for Very long chain acyl-CoA dehydrogenase deficiency. Last evaluated: 2025-12-23. Review status: criteria provided, single submitter. Criteria: Invitae Variant Classification Sherloc (09022015). Collection method: clinical testing. Allele origin: germline. Not counted in ClinVar's aggregate classification.
Comment: This sequence change replaces arginine, which is basic and polar, with glutamine, which is neutral and polar, at codon 511 of the ACADVL protein (p.Arg511Gln). This variant also falls at the last nucleotide of exon 15, which is part of the consensus splice site for this exon. This variant is present in population databases (rs200771970, gnomAD 0.008%). This missense change has been observed in individual(s) with VLCAD deficiency (PMID: 2951924, 21932095, 25652019, 26182500, 26385305, 27209629). In at least one individual the data is consistent with being in trans (on the opposite chromosome) from a pathogenic variant. ClinVar contains an entry for this variant (Variation ID: 203587). An algorithm developed to predict the effect of missense changes on protein structure and function (PolyPhen-2) suggests that this variant is likely to be tolerated. Variants that disrupt the consensus splice site are a relatively common cause of aberrant splicing (PMID: 17576681, 9536098). Algorithms developed to predict the effect of sequence changes on RNA splicing suggest that this variant may disrupt the consensus splice site. For these reasons, this variant has been classified as Pathogenic.

Natera, Inc.
Classification: Pathogenic for Very long chain acyl-CoA dehydrogenase deficiency. Last evaluated: 2025-01-10. Review status: criteria provided, single submitter. Criteria: Natera Variant Classification Schema (03/2026). Collection method: clinical testing. Allele origin: germline. Not counted in ClinVar's aggregate classification.
Comment: The c.1532G>A variant in ACADVL is a missense variant predicted to cause substitution of arginine to glutamine at amino acid 511. This variant is rare in the general population with a frequency below the threshold expected for the associated phenotype(s). This variant has been observed in one or more individuals affected with the associated recessive disease, as either homozygous or compound heterozygous with a second variant (PMID: 29519241, 35400565). This variant is located in a functionally critical region of the protein. A different variant at the same position has been determined to be Pathogenic or Likely Pathogenic. Given the available evidence, this variant is classified as Pathogenic.

Baylor Genetics
Classification: Likely pathogenic for Very long chain acyl-CoA dehydrogenase deficiency. Last evaluated: 2024-03-05. Review status: criteria provided, single submitter. Criteria: ACMG Guidelines, 2015. Collection method: clinical testing. Allele origin: unknown. Not counted in ClinVar's aggregate classification.

Fulgent Genetics
Classification: Likely pathogenic for Very long chain acyl-CoA dehydrogenase deficiency. Last evaluated: 2024-02-03. Review status: criteria provided, single submitter. Criteria: ACMG Guidelines, 2015. Collection method: clinical testing. Allele origin: germline. Not counted in ClinVar's aggregate classification.

Women's Health and Genetics/Laboratory Corporation of America, LabCorp
Classification: Likely pathogenic for Very long chain acyl-CoA dehydrogenase deficiency. Last evaluated: 2024-02-01. Review status: criteria provided, single submitter. Criteria: LabCorp Variant Classification Summary - May 2015. Collection method: clinical testing. Allele origin: germline. Not counted in ClinVar's aggregate classification.
Comment: Variant summary: ACADVL c.1532G>A (p.Arg511Gln) results in a conservative amino acid change in the encoded protein sequence. Four of five in-silico tools predict a benign effect of the variant on protein function. Several computational tools predict a significant impact on normal splicing: Three predict the variant abolishes a canonical 5' splicing donor site. However, these predictions have yet to be confirmed by functional studies. The variant was absent in 250926 control chromosomes (gnomAD). c.1532G>A has been reported in the literature in individuals affected with Very Long Chain Acyl-CoA Dehydrogenase Deficiency (examples: Tajima_2008, Li_2015, Jinjun_2015, Pena_2016, Kang_2018, Osawa_2022). These data indicate that the variant is likely to be associated with disease. The following publications have been ascertained in the context of this evaluation (PMID: 21932095, 29519241, 25652019, 35400565, 27209629, 18670371, 26182500). ClinVar contains an entry for this variant (Variation ID: 203587). Based on the evidence outlined above, the variant was classified as likely pathogenic.

Revvity Omics, Revvity
Classification: Likely pathogenic for Very long chain acyl-CoA dehydrogenase deficiency. Last evaluated: 2022-06-25. Review status: criteria provided, single submitter. Criteria: ACMG Guidelines, 2015. Collection method: clinical testing. Allele origin: germline. Not counted in ClinVar's aggregate classification.

Blueprint Genetics
Classification: Likely pathogenic for ACADVL-related disorders. Last evaluated: 2020-11-27. Review status: criteria provided, single submitter. Criteria: ACMG Guidelines, 2015. Collection method: clinical testing. Allele origin: germline. Affected: yes. Observed: 2 variant alleles. Not counted in ClinVar's aggregate classification.

Wong Mito Lab, Molecular and Human Genetics, Baylor College of Medicine
Classification: Pathogenic for Very long chain acyl-CoA dehydrogenase deficiency. Last evaluated: 2019-11-01. Review status: criteria provided, single submitter. Criteria: ACMG Guidelines, 2015. Collection method: clinical testing. Allele origin: germline. Not counted in ClinVar's aggregate classification.
Comment: The NM_000018.3:c.1532G>A (NP_000009.1:p.Arg511Gln) [GRCH38: NC_000017.11:g.7224243G>A] variant in ACADVL gene is interpretated to be Pathogenic based on ACMG guidelines (PMID: 25741868). This variant has been reported in PMID: 21932095 . This variant meets the following evidence codes reported in the ACMG guidelines: PS1, PS3

Eurofins Ntd Llc (ga)
Classification: Uncertain significance. Last evaluated: 2016-12-05. Review status: criteria provided, single submitter. Criteria: EGL Classification Definitions 2015. Collection method: clinical testing. Allele origin: germline. Observed: 2 variant alleles, 2 heterozygotes. Not counted in ClinVar's aggregate classification.

Counsyl
Classification: Likely pathogenic for Very long chain acyl-CoA dehydrogenase deficiency. Last evaluated: 2016-10-06. Review status: no assertion criteria provided. Collection method: clinical testing. Allele origin: unknown. Not counted in ClinVar's aggregate classification.

Dr. Peter K. Rogan Lab, Western University
No classification provided (evidence only). Condition: Gastric cancer. Review status: no classification provided. Collection method: in vitro. Allele origin: not applicable. Functional consequence: retained intron. Not counted in ClinVar's aggregate classification.

Literature cited by the submitters: PubMed 2951924 (cited by Labcorp Genetics (formerly Invitae), Labcorp); PubMed 21932095 (cited by 4 submitters); PubMed 25652019 (cited by 3 submitters); PubMed 26182500 (cited by 3 submitters); PubMed 26385305 (cited by Labcorp Genetics (formerly Invitae), Labcorp and Counsyl); PubMed 27209629 (cited by 3 submitters); PubMed 17576681 (cited by Labcorp Genetics (formerly Invitae), Labcorp); PubMed 9536098 (cited by Labcorp Genetics (formerly Invitae), Labcorp); PubMed 29519241 (cited by Natera, Inc. and Women's Health and Genetics/Laboratory Corporation of America, LabCorp); PubMed 35400565 (cited by Natera, Inc. and Women's Health and Genetics/Laboratory Corporation of America, LabCorp); PubMed 18670371 (cited by Women's Health and Genetics/Laboratory Corporation of America, LabCorp and Counsyl).

NM_000018.4(ACADVL):c.1532G>A (p.Arg511Gln)

Gene: ACADVL (acyl-CoA dehydrogenase very long chain; plus strand). Cytogenetic location: 17p13.1.
Variant type: single nucleotide variant.
Coding change: c.1532G>A on transcript NM_000018.4 (MANE Select); coding-DNA position 1532, G replaced by A.
Protein change: p.Arg511Gln; replaces arginine 511 with glutamine.
Molecular consequence: missense variant.
Genome position (GRCh38, 1-based): chr17:7,224,243, G>A. VCF-style: chr17-7224243-G-A. GRCh37 (hg19) VCF-style: chr17-7127562-G-A.
Other names: NM_000018.4(ACADVL):c.1532G>A; p.Arg511Gln; c.1466G>A, p.Arg489Gln (NM_001033859.3); c.1601G>A, p.Arg534Gln (NM_001270447.2); c.1304G>A, p.Arg435Gln (NM_001270448.2); short protein forms R511Q, R435Q, R489Q, R534Q.
Identifiers: ClinVar variation 203587 (VCV000203587.28), dbSNP rs200771970, ClinGen allele CA312279.